The following is an entry in ClinVar:

NM_001287.6(CLCN7):c.778G>A (p.Gly260Arg)

Gene: CLCN7 (chloride voltage-gated channel 7; minus strand). Cytogenetic location: 16p13.3.
Variant type: single nucleotide variant.
Coding change: c.778G>A on transcript NM_001287.6 (MANE Select); coding-DNA position 778, G replaced by A.
Protein change: p.Gly260Arg; replaces glycine 260 with arginine.
Molecular consequence: missense variant.
Genome position (GRCh38, 1-based): chr16:1,457,298, C>T on the plus strand (G>A on the coding strand, the complement: CLCN7 is on the minus strand). VCF-style: chr16-1457298-C-T. GRCh37 (hg19) VCF-style: chr16-1507299-C-T.
Other names: c.706G>A, p.Gly236Arg (NM_001114331.3); c.778G>A (NM_001287.4); short protein forms G236R, G260R.
Identifiers: ClinVar variation 1520894 (VCV001520894.7), dbSNP rs779400708, ClinGen allele CA7810575.

ClinVar aggregate classification (germline): Uncertain significance. Review status: criteria provided, multiple submitters, no conflicts (2 of 4 stars). 2 submissions from 2 submitters: Uncertain significance (2). Last evaluated 2024-12-08.

Conditions:
Inborn genetic diseases. Identifiers: MedGen C0950123, MeSH D030342.

Allele frequency attached by ClinVar (database versions not stated): ExAC 0.00001; gnomAD exomes 0.00001 and 0.00002.

Submissions (2):

Labcorp Genetics (formerly Invitae), Labcorp
Classification: Uncertain significance. Last evaluated: 2024-12-08. Review status: criteria provided, single submitter. Criteria: Invitae Variant Classification Sherloc (09022015). Collection method: clinical testing. Allele origin: germline.
Comment: This sequence change replaces glycine, which is neutral and non-polar, with arginine, which is basic and polar, at codon 260 of the CLCN7 protein (p.Gly260Arg). This variant is present in population databases (rs779400708, gnomAD 0.004%). This variant has not been reported in the literature in individuals affected with CLCN7-related conditions. ClinVar contains an entry for this variant (Variation ID: 1520894). Invitae Evidence Modeling of protein sequence and biophysical properties (such as structural, functional, and spatial information, amino acid conservation, physicochemical variation, residue mobility, and thermodynamic stability) indicates that this missense variant is expected to disrupt CLCN7 protein function with a positive predictive value of 95%. In summary, the available evidence is currently insufficient to determine the role of this variant in disease. Therefore, it has been classified as a Variant of Uncertain Significance.

Ambry Genetics
Classification: Uncertain significance for Inborn genetic diseases. Last evaluated: 2024-07-22. Review status: criteria provided, single submitter. Criteria: Ambry Variant Classification Scheme 2023. Collection method: clinical testing. Allele origin: germline.